The following is an entry in ClinVar:

NM_007294.4(BRCA1):c.4185+676A>C

Gene: BRCA1 (BRCA1 DNA repair associated; minus strand). Cytogenetic location: 17q21.31.
Variant type: single nucleotide variant.
Coding change: c.4185+676A>C on transcript NM_007294.4 (MANE Select); 676 bases into the intron after coding-DNA position 4185, A replaced by C.
Molecular consequence: intron variant.
Genome position (GRCh38, 1-based): chr17:43,090,268, T>G on the plus strand (A>C on the coding strand, the complement: BRCA1 is on the minus strand). VCF-style: chr17-43090268-T-G. GRCh37 (hg19) VCF-style: chr17-41242285-T-G.
Other names: IVS 12+676A>C; c.735+676A>C (NM_001408458.1, NM_001408469.1, NM_001408453.1 and 11 more transcripts); c.3297+676A>C (NM_001407967.1, NM_001407966.1); c.3804+676A>C (NM_001407959.1, NM_001407963.1, NM_001407960.1); c.3918+676A>C (NM_001407931.1, NM_001407932.1, NM_001407934.1 and 2 more transcripts); c.4041+676A>C (NM_001407747.1, NM_001407848.1, NM_001407839.1 and 20 more transcripts); c.3801+676A>C (NM_001407962.1); c.372+676A>C (NM_001408512.1); and 42 more.
Identifiers: ClinVar variation 209439 (VCV000209439.2), dbSNP rs2070834, ClinGen allele CA276411.

ClinVar aggregate classification (germline): Benign (3 of 4 stars; one submission).

Conditions:
Breast-ovarian cancer, familial, susceptibility to, 1 (BROVCA1). Also called: BRCA1 Hereditary Breast and Ovarian Cancer; OVARIAN CANCER, SUSCEPTIBILITY TO. Identifiers: Orphanet 145, MedGen C2676676, MONDO:0011450, OMIM 604370. Disease mechanism: loss of function.

Allele frequency attached by ClinVar (database versions not stated): TOPMed 0.30126; gnomAD 0.30787 and 0.31539; 1000 Genomes Project 30x 0.34681; 1000 Genomes Project 0.35264.

Submission:

Evidence-based Network for the Interpretation of Germline Mutant Alleles (ENIGMA)
Classification: Benign for Breast-ovarian cancer, familial 1. Last evaluated: 2015-01-12. Review status: reviewed by expert panel. Criteria: ENIGMA BRCA1/2 Classification Criteria (2015). Collection method: curation. Allele origin: germline.
Comment: Class 1 not pathogenic based on frequency >1% in an outbred sampleset. Frequency 0.3304 (Asian), 0.2154 (African), 0.3575 (European), derived from 1000 genomes (2012-04-30).